The following is an entry in ClinVar:

NM_003995.4(NPR2):c.2773C>T (p.Arg925Cys)

Genes: NPR2 (natriuretic peptide receptor 2; plus strand), SPAG8 (sperm associated antigen 8; minus strand). Cytogenetic location: 9p13.3.
Variant type: single nucleotide variant.
Coding change: c.2773C>T on transcript NM_003995.4 (MANE Select); coding-DNA position 2773, C replaced by T.
Protein change: p.Arg925Cys; replaces arginine 925 with cysteine.
Molecular consequence: missense variant. On other transcripts: intron variant (2).
Genome position (GRCh38, 1-based): chr9:35,808,569, C>T. VCF-style: chr9-35808569-C-T. GRCh37 (hg19) VCF-style: chr9-35808566-C-T.
Other names: c.2782C>T, p.Arg928Cys (NM_001378923.1); c.1201-263G>A (NM_001366760.2); c.1373-263G>A (NM_172312.2); short protein forms R925C, R928C.
Identifiers: ClinVar variation 1985314 (VCV001985314.4), dbSNP rs773576490, ClinGen allele CA192773104.

ClinVar aggregate classification (germline): Uncertain significance (1 of 4 stars; one submission).

Conditions:
Acromesomelic dysplasia 1, Maroteaux type (AMD1). Also called: ACROMESOMELIC DYSPLASIA 1; ST. HELENA DYSPLASIA. Identifiers: Orphanet 40, MedGen C1864356, MONDO:0011275, OMIM 602875.
Tall stature-scoliosis-macrodactyly of the great toes syndrome. Also called: Epiphyseal chondrodysplasia, miura type. Identifiers: Orphanet 329191, MedGen C4014690, MONDO:0014401, OMIM 615923.

Allele frequency attached by ClinVar (database versions not stated): TOPMed 0.00009; gnomAD exomes 0.00001; gnomAD 0.00011.
gnomAD v4.1: 33 of 1,614,080 alleles (0.002%); highest among the groups gnomAD compares: Admixed American, 0.042%; no homozygotes.

Submission:

Labcorp Genetics (formerly Invitae), Labcorp
Classification: Uncertain significance for Tall stature-scoliosis-macrodactyly of the great toes syndrome; Acromesomelic dysplasia 1, Maroteaux type. Last evaluated: 2022-08-23. Review status: criteria provided, single submitter. Criteria: Invitae Variant Classification Sherloc (09022015). Collection method: clinical testing. Allele origin: germline.
Comment: This sequence change replaces arginine, which is basic and polar, with cysteine, which is neutral and slightly polar, at codon 925 of the NPR2 protein (p.Arg925Cys). This variant is present in population databases (no rsID available, gnomAD 0.03%). This variant has not been reported in the literature in individuals affected with NPR2-related conditions. Algorithms developed to predict the effect of missense changes on protein structure and function (SIFT, PolyPhen-2, Align-GVGD) all suggest that this variant is likely to be disruptive. Algorithms developed to predict the effect of sequence changes on RNA splicing suggest that this variant may disrupt the consensus splice site. In summary, the available evidence is currently insufficient to determine the role of this variant in disease. Therefore, it has been classified as a Variant of Uncertain Significance.